The following is an entry in ClinVar:

ClinVar aggregate classification (germline): Uncertain significance. Review status: criteria provided, single submitter (1 of 4 stars). 2 submissions from 2 submitters: Uncertain significance (1). 1 of the submissions does not count toward it. Last evaluated 2024-04-15.

Allele frequency attached by ClinVar (database versions not stated): ExAC 0.00001; gnomAD exomes 0.00001.
gnomAD v4.1: 1 of 1,207,202 alleles (0.000083%); highest among the groups gnomAD compares: Non-Finnish European, 0.00011%; no homozygotes.

Submissions (2):

Labcorp Genetics (formerly Invitae), Labcorp
Classification: Uncertain significance. Last evaluated: 2024-04-15. Review status: criteria provided, single submitter. Criteria: Invitae Variant Classification Sherloc (09022015). Collection method: clinical testing. Allele origin: germline.
Comment: This sequence change replaces glutamic acid, which is acidic and polar, with lysine, which is basic and polar, at codon 249 of the DDX3X protein (p.Glu249Lys). This variant is present in population databases (rs752738546, gnomAD 0.001%). This variant has not been reported in the literature in individuals affected with DDX3X-related conditions. ClinVar contains an entry for this variant (Variation ID: 1048840). Experimental studies and prediction algorithms are not available or were not evaluated, and the functional significance of this variant is currently unknown. In summary, the available evidence is currently insufficient to determine the role of this variant in disease. Therefore, it has been classified as a Variant of Uncertain Significance.

Department of Pathology and Laboratory Medicine, Sinai Health System
Classification: Uncertain significance. Review status: no assertion criteria provided. Collection method: clinical testing. Allele origin: unknown. Affected: yes. Study: The Canadian Open Genetics Repository (COGR). Not counted in ClinVar's aggregate classification.
Comment: The DDX3X p.Glu233Lys variant was not identified in the literature nor was it reported in ClinVar. The variant was identified in dbSNP (ID: rs752738546) and in control databases in 1 of 179632 chromosomes at a frequency of 0.000005567 (Genome Aggregation Database March 6, 2019, v2.1.1). The variant was observed in the European (non-Finnish) population in 1 of 80974 chromosomes (freq: 0.000012), but was not observed in the African, Latino, Ashkenazi Jewish, East Asian, European (Finnish), Other, or South Asian populations. The p.Glu233 residue is conserved in mammals but not in more distantly related organisms however computational analyses (PolyPhen-2, SIFT, AlignGVGD, BLOSUM, MutationTaster) do not suggest a high likelihood of impact to the protein; this information is not predictive enough to rule out pathogenicity. The variant occurs outside of the splicing consensus sequence and 1 of 4 in silico or computational prediction software programs (SpliceSiteFinder, MaxEntScan, NNSPLICE, GeneSplicer) predict a greater than 10% difference in splicing; this is not very predictive of pathogenicity. In summary, based on the above information the clinical significance of this variant cannot be determined with certainty at this time. This variant is classified as a variant of uncertain significance.

NM_001356.5(DDX3X):c.745G>A (p.Glu249Lys)

Gene: DDX3X (DEAD-box helicase 3 X-linked; plus strand). Cytogenetic location: Xp11.4.
Variant type: single nucleotide variant.
Coding change: c.745G>A on transcript NM_001356.5 (MANE Select); coding-DNA position 745, G replaced by A.
Protein change: p.Glu249Lys; replaces glutamic acid 249 with lysine.
Molecular consequence: missense variant. On other transcripts: non-coding transcript variant (1).
Genome position (GRCh38, 1-based): chrX:41,343,802, G>A. VCF-style: chrX-41343802-G-A. GRCh37 (hg19) VCF-style: chrX-41203055-G-A.
Other names: c.745G>A, p.Glu249Lys (NM_001193416.3); c.697G>A, p.Glu233Lys (NM_001193417.3); c.187G>A, p.Glu63Lys (NM_001363819.1); short protein forms E233K, E249K, E63K.
Identifiers: ClinVar variation 1048840 (VCV001048840.3), dbSNP rs752738546, ClinGen allele CA10389466.